The following is an entry in ClinVar:

ClinVar aggregate classification (germline): Uncertain significance. Review status: criteria provided, multiple submitters, no conflicts (2 of 4 stars). 2 submissions from 2 submitters: Uncertain significance (2). Last evaluated 2025-09-27.

Conditions:
Inborn genetic diseases. Identifiers: MedGen C0950123, MeSH D030342.

Allele frequency attached by ClinVar (database versions not stated): gnomAD exomes 0.00001; TOPMed 0.00001.

Submissions (2):

Ambry Genetics
Classification: Uncertain significance for Inborn genetic diseases. Last evaluated: 2025-09-27. Review status: criteria provided, single submitter. Criteria: Ambry Variant Classification Scheme 2023. Collection method: clinical testing. Allele origin: germline.

Labcorp Genetics (formerly Invitae), Labcorp
Classification: Uncertain significance. Last evaluated: 2023-07-10. Review status: criteria provided, single submitter. Criteria: Invitae Variant Classification Sherloc (09022015). Collection method: clinical testing. Allele origin: germline.
Comment: In summary, the available evidence is currently insufficient to determine the role of this variant in disease. Therefore, it has been classified as a Variant of Uncertain Significance. This sequence change replaces alanine, which is neutral and non-polar, with valine, which is neutral and non-polar, at codon 2 of the SPINT2 protein (p.Ala2Val). The frequency data for this variant in the population databases is considered unreliable, as metrics indicate poor data quality at this position in the gnomAD database. This variant has not been reported in the literature in individuals affected with SPINT2-related conditions. ClinVar contains an entry for this variant (Variation ID: 1391025). An algorithm developed to predict the effect of missense changes on protein structure and function (PolyPhen-2) suggests that this variant¬†is likely to be tolerated.

NM_021102.4(SPINT2):c.5C>T (p.Ala2Val)

Gene: SPINT2 (serine peptidase inhibitor, Kunitz type 2; plus strand). Cytogenetic location: 19q13.2.
Variant type: single nucleotide variant.
Coding change: c.5C>T on transcript NM_021102.4 (MANE Select); coding-DNA position 5, C replaced by T.
Protein change: p.Ala2Val; replaces alanine 2 with valine.
Molecular consequence: missense variant.
Genome position (GRCh38, 1-based): chr19:38,264,897, C>T. VCF-style: chr19-38264897-C-T. GRCh37 (hg19) VCF-style: chr19-38755537-C-T.
Other names: c.5C>T (NM_021102.3); c.5C>T, p.Ala2Val (NM_001166103.2); short protein forms A2V.
Identifiers: ClinVar variation 1391025 (VCV001391025.5), dbSNP rs1462711019, ClinGen allele CA405626605.